The following is an entry in ClinVar:

NM_007214.5(SEC63):c.1414G>A (p.Val472Ile)

Gene: SEC63 (SEC63 protein translocation regulator; minus strand). Cytogenetic location: 6q21.
Variant type: single nucleotide variant.
Coding change: c.1414G>A on transcript NM_007214.5 (MANE Select); coding-DNA position 1414, G replaced by A.
Protein change: p.Val472Ile; replaces valine 472 with isoleucine.
Molecular consequence: missense variant.
Genome position (GRCh38, 1-based): chr6:107,897,675, C>T on the plus strand (G>A on the coding strand, the complement: SEC63 is on the minus strand). VCF-style: chr6-107897675-C-T. GRCh37 (hg19) VCF-style: chr6-108218879-C-T.
Other names: short protein forms V472I.
Identifiers: ClinVar variation 3697784 (VCV003697784.2).

ClinVar aggregate classification (germline): Uncertain significance (1 of 4 stars; one submission).

gnomAD v4.1: 21 of 1,608,944 alleles (0.0013%); highest among the groups gnomAD compares: Non-Finnish European, 0.0015%; no homozygotes.

Submission:

Labcorp Genetics (formerly Invitae), Labcorp
Classification: Uncertain significance. Last evaluated: 2025-10-02. Review status: criteria provided, single submitter. Criteria: Invitae Variant Classification Sherloc (09022015). Collection method: clinical testing. Allele origin: germline.
Comment: This sequence change replaces valine, which is neutral and non-polar, with isoleucine, which is neutral and non-polar, at codon 472 of the SEC63 protein (p.Val472Ile). This variant is present in population databases (rs762057889, gnomAD 0.004%). This variant has not been reported in the literature in individuals affected with SEC63-related conditions. ClinVar contains an entry for this variant (Variation ID: 3697784). An algorithm developed to predict the effect of missense changes on protein structure and function (PolyPhen-2) suggests that this variant is likely to be tolerated. In summary, the available evidence is currently insufficient to determine the role of this variant in disease. Therefore, it has been classified as a Variant of Uncertain Significance.